The following is an entry in ClinVar:

NM_018117.12(WDR11):c.1748del (p.Leu583fs)

Gene: WDR11 (WD repeat domain 11; plus strand). Cytogenetic location: 10q26.12.
Variant type: Deletion.
Coding change: c.1748del on transcript NM_018117.12 (MANE Select); coding-DNA position 1748, one base deleted (T; older notation c.1748delT).
Protein change: p.Leu583fs; shifts the reading frame from leucine 583.
Molecular consequence: frameshift variant.
Genome position (GRCh38, 1-based): chr10:120,883,788, T deleted; the last of 3 consecutive T bases (chr10:120,883,786-120,883,788); deleting any one gives the same sequence. VCF-style (leftmost placement, unchanged base first): chr10-120883785-AT-A. GRCh37 (hg19) VCF-style: chr10-122643297-AT-A.
Other names: c.1748delT (NM_018117.12); short protein forms L583fs.
Identifiers: ClinVar variation 4849292 (VCV004849292.1).

ClinVar aggregate classification (germline): Likely pathogenic (1 of 4 stars; one submission).

Conditions:
Intellectual developmental disorder, autosomal recessive 78 (MRT78). Identifiers: MedGen C5830269, MONDO:0859373, OMIM 620237.

Submission:

First Genomix Gene Laboratory, Genetic Diagnostics Department
Classification: Likely pathogenic for Intellectual developmental disorder, autosomal recessive 78. Last evaluated: 2025-05-19. Review status: criteria provided, single submitter. Criteria: ACMG Guidelines, 2015. Collection method: clinical testing. Allele origin: germline. Inheritance: Autosomal recessive inheritance. Affected: no. Observed: 1 variant allele.